The following is an entry in ClinVar:

NM_002608.4(PDGFB):c.33_34del (p.Cys12fs)

Gene: PDGFB (platelet derived growth factor subunit B; minus strand). Cytogenetic location: 22q13.1.
Variant type: Microsatellite.
Coding change: c.33_34del on transcript NM_002608.4 (MANE Select); coding-DNA positions 33 to 34, 2 bases deleted (CT; older notation c.33_34delCT).
Protein change: p.Cys12fs; shifts the reading frame from cysteine 12.
Molecular consequence: frameshift variant.
Genome position (GRCh38, 1-based): chr22:39,243,930-39,243,931, AG deleted on the plus strand (CT on the coding strand, the reverse complement: PDGFB is on the minus strand); deleting any 2 consecutive bases within chr22:39,243,930-39,243,936 gives the same sequence; the c. name uses the placement nearest the transcript's 3' end. VCF-style (leftmost placement, unchanged base first): chr22-39243929-CAG-C. GRCh37 (hg19) VCF-style: chr22-39639934-CAG-C.
Other names: c.33_34delCT (NM_002608.3); short protein forms C12fs.
Identifiers: ClinVar variation 4710847 (VCV004710847.2).

ClinVar aggregate classification (germline): Pathogenic/Likely pathogenic. Review status: criteria provided, multiple submitters, no conflicts (2 of 4 stars). 2 submissions from 2 submitters: Pathogenic (1); Likely pathogenic (1). Last evaluated 2025-06-09.

Conditions:
PDGFB-related disorder. Also called: PDGFB-related condition.

Submissions (2):

Labcorp Genetics (formerly Invitae), Labcorp
Classification: Pathogenic. Last evaluated: 2025-06-09. Review status: criteria provided, single submitter. Criteria: Invitae Variant Classification Sherloc (09022015). Collection method: clinical testing. Allele origin: germline.
Comment: This sequence change creates a premature translational stop signal (p.Cys12Leufs*19) in the PDGFB gene. It is expected to result in an absent or disrupted protein product. Loss-of-function variants in PDGFB are known to be pathogenic (PMID: 23913003, 26599395). This variant is not present in population databases (gnomAD no frequency). This premature translational stop signal has been observed in individual(s) with basal ganglia calcification (PMID: 30952898). For these reasons, this variant has been classified as Pathogenic.

PreventionGenetics, part of Exact Sciences
Classification: Likely pathogenic for PDGFB-related condition. Last evaluated: 2025-04-08. Review status: criteria provided, single submitter. Criteria: ACMG Guidelines, 2015. Collection method: clinical testing. Allele origin: germline.
Comment: The PDGFB c.33_34delCT variant is predicted to result in a frameshift and premature protein termination (p.Cys12Leufs*19). This variant was reported in an individual with idiopathic basal ganglia calcification (Sekine et al. 2019. PubMed ID: 30952898). This variant has not been reported in a large population database (gnomAD), indicating this variant is rare. Frameshift variants in PDGFB are expected to be pathogenic. This variant is interpreted as likely pathogenic.

Literature cited by the submitters: PubMed 23913003 (cited by Labcorp Genetics (formerly Invitae), Labcorp); PubMed 26599395 (cited by Labcorp Genetics (formerly Invitae), Labcorp); PubMed 30952898 (cited by Labcorp Genetics (formerly Invitae), Labcorp).